The following is an entry in ClinVar:

ClinVar aggregate classification (germline): Uncertain significance (1 of 4 stars; one submission).

gnomAD v4.1: 6 of 1,613,758 alleles (0.00037%); highest among the groups gnomAD compares: Non-Finnish European, 0.00051%; no homozygotes.

Submission:

Labcorp Genetics (formerly Invitae), Labcorp
Classification: Uncertain significance. Last evaluated: 2023-08-04. Review status: criteria provided, single submitter. Criteria: Invitae Variant Classification Sherloc (09022015). Collection method: clinical testing. Allele origin: germline.
Comment: This variant has not been reported in the literature in individuals affected with NSD1-related conditions. In summary, the available evidence is currently insufficient to determine the role of this variant in disease. Therefore, it has been classified as a Variant of Uncertain Significance. Advanced modeling of protein sequence and biophysical properties (such as structural, functional, and spatial information, amino acid conservation, physicochemical variation, residue mobility, and thermodynamic stability) performed at Invitae indicates that this missense variant is expected to disrupt NSD1 protein function. This variant is present in population databases (rs779028625, gnomAD 0.0009%). This sequence change replaces arginine, which is basic and polar, with cysteine, which is neutral and slightly polar, at codon 1273 of the NSD1 protein (p.Arg1273Cys).

NM_022455.5(NSD1):c.3817C>T (p.Arg1273Cys)

Gene: NSD1 (nuclear receptor binding SET domain protein 1; plus strand). Cytogenetic location: 5q35.3.
Variant type: single nucleotide variant.
Coding change: c.3817C>T on transcript NM_022455.5 (MANE Select); coding-DNA position 3817, C replaced by T.
Protein change: p.Arg1273Cys; replaces arginine 1273 with cysteine.
Molecular consequence: missense variant.
Genome position (GRCh38, 1-based): chr5:177,235,841, C>T. VCF-style: chr5-177235841-C-T. GRCh37 (hg19) VCF-style: chr5-176662842-C-T.
Other names: c.2944C>T, p.Arg982Cys (NM_001365684.2, NM_001409306.1, NM_001409307.1 and 3 more transcripts); c.3817C>T, p.Arg1273Cys (NM_001409301.1, NM_001409302.1, NM_001409303.1); c.3397C>T, p.Arg1133Cys (NM_001409304.1); c.3064C>T, p.Arg1022Cys (NM_001409305.1); short protein forms R1273C, R1022C, R1133C, R982C.
Identifiers: ClinVar variation 3710955 (VCV003710955.2).